The following is an entry in ClinVar:

NM_004369.4(COL6A3):c.8740C>T (p.Pro2914Ser)

Gene: COL6A3 (collagen type VI alpha 3 chain; minus strand). Cytogenetic location: 2q37.3.
Variant type: single nucleotide variant.
Coding change: c.8740C>T on transcript NM_004369.4 (MANE Select); coding-DNA position 8740, C replaced by T.
Protein change: p.Pro2914Ser; replaces proline 2914 with serine.
Molecular consequence: missense variant.
Genome position (GRCh38, 1-based): chr2:237,336,360, G>A on the plus strand (C>T on the coding strand, the complement: COL6A3 is on the minus strand). VCF-style: chr2-237336360-G-A. GRCh37 (hg19) VCF-style: chr2-238245003-G-A.
Other names: c.6919C>T, p.Pro2307Ser (NM_057166.5); c.8122C>T, p.Pro2708Ser (NM_057167.4); short protein forms P2307S, P2708S, P2914S.
Identifiers: ClinVar variation 2203363 (VCV002203363.4), dbSNP rs1373565294, ClinGen allele CA351191738.

ClinVar aggregate classification (germline): Uncertain significance (1 of 4 stars; one submission).

Conditions:
Bethlem myopathy 1A. Also called: Bethlem Muscular Dystrophy; MYOPATHY, BENIGN CONGENITAL, WITH CONTRACTURES; Bethlem myopathy 1. Identifiers: Orphanet 610, MedGen CN029274, MONDO:0024530, OMIM 158810.

Allele frequency attached by ClinVar (database versions not stated): gnomAD exomes below 0.00001.
gnomAD v4.1: 1 of 1,614,158 alleles (0.000062%); no homozygotes.

Submission:

Labcorp Genetics (formerly Invitae), Labcorp
Classification: Uncertain significance for Bethlem myopathy 1A. Last evaluated: 2021-12-30. Review status: criteria provided, single submitter. Criteria: Invitae Variant Classification Sherloc (09022015). Collection method: clinical testing. Allele origin: germline.
Comment: In summary, the available evidence is currently insufficient to determine the role of this variant in disease. Therefore, it has been classified as a Variant of Uncertain Significance. Advanced modeling of protein sequence and biophysical properties (such as structural, functional, and spatial information, amino acid conservation, physicochemical variation, residue mobility, and thermodynamic stability) performed at Invitae indicates that this missense variant is not expected to disrupt COL6A3 protein function. This variant has not been reported in the literature in individuals affected with COL6A3-related conditions. This variant is present in population databases (no rsID available, gnomAD 0.004%). This sequence change replaces proline, which is neutral and non-polar, with serine, which is neutral and polar, at codon 2914 of the COL6A3 protein (p.Pro2914Ser).